The following is an entry in ClinVar:

NM_000135.4(FANCA):c.4285_4288dup (p.Pro1430fs)

Genes: FANCA (FA complementation group A; minus strand), ZNF276 (zinc finger protein 276; plus strand). Cytogenetic location: 16q24.3.
Variant type: Duplication.
Coding change: c.4285_4288dup on transcript NM_000135.4 (MANE Select); coding-DNA positions 4285 to 4288, 4 bases duplicated (GACC; older notation c.4285_4288dupGACC).
Protein change: p.Pro1430fs; shifts the reading frame from proline 1430.
Molecular consequence: frameshift variant. On other transcripts: 3 prime UTR variant (3), non-coding transcript variant (4).
Genome position (GRCh38, 1-based): chr16:89,738,681-89,738,684, GGTC duplicated on the plus strand (GACC on the coding strand, the reverse complement: FANCA is on the minus strand); duplicating any 4 consecutive bases within chr16:89,738,681-89,738,685 gives the same sequence; the c. name uses the placement nearest the transcript's 3' end. VCF-style (leftmost placement, unchanged base first): chr16-89738680-G-GGGTC. GRCh37 (hg19) VCF-style: chr16-89805088-G-GGGTC.
Other names: c.4285_4288dup (NM_000135.2); c.*14_*17dup (NM_001286167.3); c.*436_*439dup (NM_001113525.2, NM_152287.4); short protein forms P1430fs.
Identifiers: ClinVar variation 974274 (VCV000974274.1), dbSNP rs2049528619, ClinGen allele CA980442502.

ClinVar aggregate classification (germline): Likely pathogenic (0 of 4 stars; one submission).

Conditions:
Fanconi anemia complementation group A (FANCA). Also called: Fanconi anemia, group A; FANCA-Related Fanconi Anemia. Identifiers: Orphanet 84, MedGen C3469521, MONDO:0009215, OMIM 227650.

Submission:

Leiden Open Variation Database
Classification: Likely pathogenic for Fanconi anemia complementation group A. Last evaluated: 2020-02-28. Review status: no assertion criteria provided. Collection method: curation. Allele origin: germline. Affected: yes.
Comment: Curator: Arleen D. Auerbach. Submitter to LOVD: Sue Richards.